The following is an entry in ClinVar:

ClinVar aggregate classification (germline): Uncertain significance (1 of 4 stars; one submission).

Conditions:
Ataxia-telangiectasia syndrome (AT). Also called: Ataxia telangiectasia (A-T); ATAXIA-TELANGIECTASIA, COMPLEMENTATION GROUP A; ATAXIA-TELANGIECTASIA, FRESNO VARIANT; Ataxia-telangiectasia; Ataxia-telangiectasia, complementation group E; LOUIS-BAR SYNDROME. Identifiers: Orphanet 100, MedGen C0004135, MONDO:0008840, OMIM 208900.

Submission:

Labcorp Genetics (formerly Invitae), Labcorp
Classification: Uncertain significance for Ataxia-telangiectasia syndrome. Last evaluated: 2018-05-29. Review status: criteria provided, single submitter. Criteria: Invitae Variant Classification Sherloc (09022015). Collection method: clinical testing. Allele origin: germline.
Comment: In summary, the available evidence is currently insufficient to determine the role of this variant in disease. Therefore, it has been classified as a Variant of Uncertain Significance. Algorithms developed to predict the effect of missense changes on protein structure and function are either unavailable or do not agree on the potential impact of this missense change (SIFT: "Deleterious"; PolyPhen-2: "Probably Damaging"; Align-GVGD: "Class C0"). This variant has not been reported in the literature in individuals with ATM-related disease. This variant is not present in population databases (ExAC no frequency). This sequence change replaces leucine with histidine at codon 2258 of the ATM protein (p.Leu2258His). The leucine residue is moderately conserved and there is a moderate physicochemical difference between leucine and histidine.

NM_000051.4(ATM):c.6773T>A (p.Leu2258His)

Genes: ATM (ATM serine/threonine kinase; plus strand), C11orf65 (chromosome 11 open reading frame 65; minus strand). Cytogenetic location: 11q22.3.
Variant type: single nucleotide variant.
Coding change: c.6773T>A on transcript NM_000051.4 (MANE Select); coding-DNA position 6773, T replaced by A.
Protein change: p.Leu2258His; replaces leucine 2258 with histidine.
Molecular consequence: missense variant. On other transcripts: intron variant (2).
Genome position (GRCh38, 1-based): chr11:108,325,510, T>A. VCF-style: chr11-108325510-T-A. GRCh37 (hg19) VCF-style: chr11-108196237-T-A.
Other names: c.6773T>A, p.Leu2258His (NM_001351834.2); c.641-16439A>T (NM_001330368.2); c.*38+9710A>T (NM_001351110.2); short protein forms L2258H.
Identifiers: ClinVar variation 1063505 (VCV001063505.9), dbSNP rs2136317561, ClinGen allele CA382555417.
Genomic context (GRCh38, chr11:108,325,510, plus strand): 5'-AAATGGACAACTCACAAAGAGAATGTATTAAGGACATTCTCACCAAACACCTTGTAGAAC[T>A]CTCTATACTGGCCAGAACTTTCAAGAACACTCAGGTAAATACAATTTAAAACTATGTCAT-3'
Protein context (NP_000042.3, residues 2248-2268): KDILTKHLVE[Leu2258His]SILARTFKNT